The following is an entry in ClinVar:

ClinVar aggregate classification (germline): Uncertain significance. Review status: criteria provided, multiple submitters, no conflicts (2 of 4 stars). 4 submissions from 4 submitters: Uncertain significance (4). Last evaluated 2025-08-20.

Conditions:
Hereditary cancer-predisposing syndrome. Also called: Hereditary neoplastic syndrome; Tumor predisposition; Neoplastic Syndromes, Hereditary; Hereditary Cancer Syndrome. Identifiers: Orphanet 140162, MedGen C0027672, MeSH D009386, MONDO:0015356.
Cardiovascular phenotype. Identifiers: MedGen CN230736.
Neurofibromatosis, type 1 (NF1). Also called: Neurofibromatosis, type I; VON RECKLINGHAUSEN DISEASE; Peripheral type neurofibromatosis; NEUROFIBROMATOSIS, TYPE I, SOMATIC. Identifiers: Orphanet 636, MedGen C0027831, MONDO:0018975, OMIM 162200. Disease mechanism: loss of function.
Café-au-lait macules with pulmonary stenosis (WTSN). Also called: PULMONIC STENOSIS WITH CAFE-AU-LAIT SPOTS. Identifiers: MedGen C0553586, MONDO:0008672, OMIM 193520.
Neurofibromatosis, familial spinal (FSNF). Identifiers: Orphanet 636, MedGen C1834235, MONDO:0008078, OMIM 162210. Disease mechanism: loss of function.
Neurofibromatosis-Noonan syndrome (NFNS). Also called: NEUROFIBROMATOSIS WITH NOONAN PHENOTYPE. Identifiers: Orphanet 638, MedGen C2931482, MONDO:0011035, OMIM 601321. Disease mechanism: loss of function.
Juvenile myelomonocytic leukemia (JMML). Also called: LEUKEMIA, JUVENILE MYELOMONOCYTIC, SOMATIC. Identifiers: Orphanet 86834, MedGen C0349639, MONDO:0011908, OMIM 607785, HP:0012209.

gnomAD v4.1: 1 of 1,613,776 alleles (0.000062%); no homozygotes.

Submissions (4):

Labcorp Genetics (formerly Invitae), Labcorp
Classification: Uncertain significance for Neurofibromatosis, type 1. Last evaluated: 2025-08-20. Review status: criteria provided, single submitter. Criteria: Invitae Variant Classification Sherloc (09022015). Collection method: clinical testing. Allele origin: germline.
Comment: This sequence change replaces alanine, which is neutral and non-polar, with valine, which is neutral and non-polar, at codon 2765 of the NF1 protein (p.Ala2765Val). This variant is not present in population databases (gnomAD no frequency). This variant has not been reported in the literature in individuals affected with NF1-related conditions. ClinVar contains an entry for this variant (Variation ID: 860086). Invitae Evidence Modeling of protein sequence and biophysical properties (such as structural, functional, and spatial information, amino acid conservation, physicochemical variation, residue mobility, and thermodynamic stability) indicates that this missense variant is not expected to disrupt NF1 protein function with a negative predictive value of 95%. In summary, the available evidence is currently insufficient to determine the role of this variant in disease. Therefore, it has been classified as a Variant of Uncertain Significance.

Ambry Genetics
Classification: Uncertain significance for Cardiovascular phenotype; Hereditary cancer-predisposing syndrome. Last evaluated: 2025-06-26. Review status: criteria provided, single submitter. Criteria: Ambry Variant Classification Scheme 2023. Collection method: clinical testing. Allele origin: germline.
Comment: The p.A2765V variant (also known as c.8294C>T), located in coding exon 56 of the NF1 gene, results from a C to T substitution at nucleotide position 8294. The alanine at codon 2765 is replaced by valine, an amino acid with similar properties. This amino acid position is highly conserved in available vertebrate species. In addition, this alteration is predicted to be tolerated by in silico analysis. Based on the available evidence, the clinical significance of this variant remains unclear.

GeneDx
Classification: Uncertain significance. Last evaluated: 2022-07-22. Review status: criteria provided, single submitter. Criteria: GeneDx Variant Classification Process June 2021. Collection method: clinical testing. Allele origin: germline. Affected: yes.
Comment: Not observed at significant frequency in large population cohorts (gnomAD); In silico analysis supports that this missense variant does not alter protein structure/function; Has not been previously published as pathogenic or benign to our knowledge

Fulgent Genetics
Classification: Uncertain significance for Neurofibromatosis, type 1; Neurofibromatosis, familial spinal; Café-au-lait macules with pulmonary stenosis; Neurofibromatosis-Noonan syndrome; Juvenile myelomonocytic leukemia. Last evaluated: 2021-09-22. Review status: criteria provided, single submitter. Criteria: ACMG Guidelines, 2015. Collection method: clinical testing. Allele origin: unknown.

NM_001042492.3(NF1):c.8357C>T (p.Ala2786Val)

Gene: NF1 (neurofibromin 1; plus strand). Cytogenetic location: 17q11.2.
Variant type: single nucleotide variant.
Coding change: c.8357C>T on transcript NM_001042492.3 (MANE Select); coding-DNA position 8357, C replaced by T.
Protein change: p.Ala2786Val; replaces alanine 2786 with valine.
Molecular consequence: missense variant.
Genome position (GRCh38, 1-based): chr17:31,360,683, C>T. VCF-style: chr17-31360683-C-T. GRCh37 (hg19) VCF-style: chr17-29687701-C-T.
Other names: c.8294C>T, p.Ala2765Val (NM_000267.4); short protein forms A2786V, A2765V.
Identifiers: ClinVar variation 860086 (VCV000860086.8), dbSNP rs2070377037, ClinGen allele CA399205081.